The following is an entry in ClinVar:

NM_000057.4(BLM):c.2170G>C (p.Val724Leu)

Gene: BLM (BLM RecQ like helicase; plus strand). Cytogenetic location: 15q26.1.
Variant type: single nucleotide variant.
Coding change: c.2170G>C on transcript NM_000057.4 (MANE Select); coding-DNA position 2170, G replaced by C.
Protein change: p.Val724Leu; replaces valine 724 with leucine.
Molecular consequence: missense variant.
Genome position (GRCh38, 1-based): chr15:90,765,391, G>C. VCF-style: chr15-90765391-G-C. GRCh37 (hg19) VCF-style: chr15-91308621-G-C.
Other names: c.2170G>C, p.Val724Leu (NM_001287246.2, NM_001287247.2); c.1045G>C, p.Val349Leu (NM_001287248.2); short protein forms V724L, V349L.
Identifiers: ClinVar variation 3480866 (VCV003480866.1).

ClinVar aggregate classification (germline): Uncertain significance (1 of 4 stars; one submission).

Conditions:
Hereditary cancer-predisposing syndrome. Also called: Tumor predisposition; Neoplastic Syndromes, Hereditary; Hereditary Cancer Syndrome; Hereditary neoplastic syndrome. Identifiers: Orphanet 140162, MedGen C0027672, MeSH D009386, MONDO:0015356.

gnomAD v4.1: 1 of 1,610,564 alleles (0.000062%); highest among the groups gnomAD compares: Non-Finnish European, 0.000085%; no homozygotes.

Submission:

Ambry Genetics
Classification: Uncertain significance for Hereditary cancer-predisposing syndrome. Last evaluated: 2024-10-04. Review status: criteria provided, single submitter. Criteria: Ambry Variant Classification Scheme 2023. Collection method: clinical testing. Allele origin: germline.
Comment: The p.V724L variant (also known as c.2170G>C), located in coding exon 8 of the BLM gene, results from a G to C substitution at nucleotide position 2170. The valine at codon 724 is replaced by leucine, an amino acid with highly similar properties. This amino acid position is conserved. In addition, this alteration is predicted to be tolerated by in silico analysis. Based on the available evidence, the clinical significance of this variant remains unclear.